The following is an entry in ClinVar:

ClinVar aggregate classification (germline): Conflicting classifications of pathogenicity. Review status: criteria provided, conflicting classifications (1 of 4 stars). 3 submissions from 3 submitters: Uncertain significance (1); Likely benign (2). Last evaluated 2025-06-23.

Conditions:
Inborn genetic diseases. Identifiers: MedGen C0950123, MeSH D030342.
Heterotaxy, visceral, 6, autosomal (HTX6). Also called: Heterotaxy, visceral, 6, autosomal recessive. Identifiers: Orphanet 450, MedGen C3553676, MONDO:0013887, OMIM 614779.

Allele frequency attached by ClinVar (database versions not stated): 1000 Genomes Project 30x 0.00016; ESP Exome Variant Server 0.00065; TOPMed 0.00098.

Submissions (3):

Ambry Genetics
Classification: Uncertain significance for Inborn genetic diseases. Last evaluated: 2025-06-23. Review status: criteria provided, single submitter. Criteria: Ambry Variant Classification Scheme 2023. Collection method: clinical testing. Allele origin: germline.

Labcorp Genetics (formerly Invitae), Labcorp
Classification: Likely benign for Heterotaxy, visceral, 6, autosomal. Last evaluated: 2024-05-20. Review status: criteria provided, single submitter. Criteria: Invitae Variant Classification Sherloc (09022015). Collection method: clinical testing. Allele origin: germline.

CeGaT Center for Human Genetics Tuebingen
Classification: Likely benign. Last evaluated: 2022-09-01. Review status: criteria provided, single submitter. Criteria: CeGaT Center For Human Genetics Tuebingen Variant Classification Criteria Version 2. Collection method: clinical testing. Allele origin: germline. Affected: yes. Observed: 1 variant allele.
Comment: CFAP53: BP4

NM_145020.5(CFAP53):c.1513C>T (p.Arg505Cys)

Gene: CFAP53 (cilia and flagella associated protein 53; minus strand). Cytogenetic location: 18q21.1.
Variant type: single nucleotide variant.
Coding change: c.1513C>T on transcript NM_145020.5 (MANE Select); coding-DNA position 1513, C replaced by T.
Protein change: p.Arg505Cys; replaces arginine 505 with cysteine.
Molecular consequence: missense variant.
Genome position (GRCh38, 1-based): chr18:50,227,413, G>A on the plus strand (C>T on the coding strand, the complement: CFAP53 is on the minus strand). VCF-style: chr18-50227413-G-A. GRCh37 (hg19) VCF-style: chr18-47753783-G-A.
Other names: short protein forms R505C.
Identifiers: ClinVar variation 767053 (VCV000767053.34), dbSNP rs192619553, ClinGen allele CA8962082.